The following is an entry in ClinVar:

ClinVar aggregate classification (germline): Likely benign (1 of 4 stars; one submission).

Allele frequency attached by ClinVar (database versions not stated): 1000 Genomes Project 0.00100; 1000 Genomes Project 30x 0.00156; ExAC 0.00274; gnomAD 0.00292; TOPMed 0.00336; ESP Exome Variant Server 0.00415; gnomAD exomes 0.00504.
gnomAD v4.1: 7,542 of 1,559,024 alleles (0.48%); highest among the groups gnomAD compares: Non-Finnish European, 0.6%; 27 homozygotes.

Submissions (7):

CeGaT Center for Human Genetics Tuebingen
Classification: Likely benign. Last evaluated: 2022-10-01. Review status: criteria provided, single submitter. Criteria: CeGaT Center For Human Genetics Tuebingen Variant Classification Criteria Version 2. Collection method: clinical testing. Allele origin: germline. Affected: yes. Observed: 1 variant allele.
Comment: N4BP2: BP4, BP7

Dr. Peter K. Rogan Lab, Western University
No classification provided (evidence only). Condition: Melanoma. Review status: no classification provided. Collection method: in vitro. Allele origin: not applicable. Functional consequence: skipped exon. Not counted in ClinVar's aggregate classification.

Dr. Peter K. Rogan Lab, Western University
No classification provided (evidence only). Condition: Familial cancer of breast. Review status: no classification provided. Collection method: in vitro. Allele origin: not applicable. Functional consequence: skipped exon. Not counted in ClinVar's aggregate classification.

Dr. Peter K. Rogan Lab, Western University
No classification provided (evidence only). Condition: Acute myeloid leukemia. Review status: no classification provided. Collection method: in vitro. Allele origin: not applicable. Functional consequence: retained intron. Not counted in ClinVar's aggregate classification.

Dr. Peter K. Rogan Lab, Western University
No classification provided (evidence only). Condition: Cervical cancer. Review status: no classification provided. Collection method: in vitro. Allele origin: not applicable. Functional consequence: retained intron. Not counted in ClinVar's aggregate classification.

Dr. Peter K. Rogan Lab, Western University
No classification provided (evidence only). Condition: Sarcoma. Review status: no classification provided. Collection method: in vitro. Allele origin: not applicable. Functional consequence: retained intron. Not counted in ClinVar's aggregate classification.

Dr. Peter K. Rogan Lab, Western University
No classification provided (evidence only). Condition: Gastric cancer. Review status: no classification provided. Collection method: in vitro. Allele origin: not applicable. Functional consequence: retained intron. Not counted in ClinVar's aggregate classification.

NM_018177.6(N4BP2):c.3855T>A (p.Ser1285=)

Gene: N4BP2 (NEDD4 binding protein 2; plus strand). Cytogenetic location: 4p14.
Variant type: single nucleotide variant.
Coding change: c.3855T>A on transcript NM_018177.6 (MANE Select); coding-DNA position 3855, T replaced by A.
Protein change: p.Ser1285=; no amino-acid change (serine 1285 retained).
Molecular consequence: synonymous variant.
Genome position (GRCh38, 1-based): chr4:40,121,966, T>A. VCF-style: chr4-40121966-T-A. GRCh37 (hg19) VCF-style: chr4-40123586-T-A.
Other names: NC_000004.11:g.40123586T>A; c.3615T>A, p.Ser1205= (NM_001318359.2).
Identifiers: ClinVar variation 2654734 (VCV002654734.25), dbSNP rs114198420, ClinGen allele CA2897295.